The following is an entry in ClinVar:

ClinVar aggregate classification (germline): Uncertain significance (1 of 4 stars; one submission).

Conditions:
LOXHD1-related disorder. Also called: LOXHD1-related condition.

Submission:

PreventionGenetics, part of Exact Sciences
Classification: Uncertain significance for LOXHD1-related condition. Last evaluated: 2026-09-01. Review status: criteria provided, single submitter. Criteria: ACMG Guidelines, 2015. Collection method: clinical testing. Allele origin: germline.
Comment: The LOXHD1 c.6567delC variant is predicted to result in a frameshift and premature protein termination (p.Cys2190Valfs*32). To our knowledge, this variant has not been reported in the literature. This variant is reported in 0.016% of alleles in individuals of Latino descent in gnomAD. Frameshift variants in LOXHD1 are expected to be pathogenic. However this variant occurs within the last exon and leads to a protein extension. Although we suspect that this variant may be pathogenic, at this time, the clinical significance of this variant is uncertain due to the absence of conclusive functional and genetic evidence.

NM_001384474.1(LOXHD1):c.6753del (p.Cys2252fs)

Gene: LOXHD1 (lipoxygenase homology PLAT domains 1; minus strand). Cytogenetic location: 18q21.1.
Variant type: Deletion.
Coding change: c.6753del on transcript NM_001384474.1 (MANE Select); coding-DNA position 6753, one base deleted (C; older notation c.6753delC).
Protein change: p.Cys2252fs; shifts the reading frame from cysteine 2252.
Molecular consequence: frameshift variant. On other transcripts: intron variant (3).
Genome position (GRCh38, 1-based): chr18:46,477,541, G deleted on the plus strand (C on the coding strand, the reverse complement: LOXHD1 is on the minus strand). VCF-style (leftmost placement, unchanged base first): chr18-46477540-AG-A. GRCh37 (hg19) VCF-style: chr18-44057503-AG-A.
Other names: c.1470del, p.Cys491fs (NM_001145473.3); c.6567del, p.Cys2190fs (NM_144612.7); c.3307+113del (NM_001145472.3); c.3033+99del (NM_001308013.2); c.1371+99del (NM_001173129.2); short protein forms C491fs, C2252fs, C2190fs.
Identifiers: ClinVar variation 4984209 (VCV004984209.1).